The following is an entry in ClinVar:

NM_000284.4(PDHA1):c.260T>C (p.Ile87Thr)

Gene: PDHA1 (pyruvate dehydrogenase E1 subunit alpha 1; plus strand). Cytogenetic location: Xp22.12.
Variant type: single nucleotide variant.
Coding change: c.260T>C on transcript NM_000284.4 (MANE Select); coding-DNA position 260, T replaced by C.
Protein change: p.Ile87Thr; replaces isoleucine 87 with threonine.
Molecular consequence: missense variant.
Genome position (GRCh38, 1-based): chrX:19,350,079, T>C. VCF-style: chrX-19350079-T-C. GRCh37 (hg19) VCF-style: chrX-19368197-T-C.
Other names: c.374T>C, p.Ile125Thr (NM_001173454.2); c.260T>C, p.Ile87Thr (NM_001173455.2, NM_001173456.2); short protein forms I125T, I87T.
Identifiers: ClinVar variation 3062013 (VCV003062013.3), dbSNP rs2519339792, ClinGen allele CA412390591.

ClinVar aggregate classification (germline): Likely pathogenic (1 of 4 stars; one submission).

Conditions:
Pyruvate dehydrogenase E1-alpha deficiency (PDHAD). Also called: ATAXIA, INTERMITTENT, WITH PYRUVATE DEHYDROGENASE DEFICIENCY; ATAXIA WITH LACTIC ACIDOSIS I; ATAXIA, INTERMITTENT, WITH ABNORMAL PYRUVATE METABOLISM; Ataxia, intermittent, with pyruvate dehydrogenase, or decarboxylase, deficiency. Identifiers: Orphanet 79243, MedGen C1839413, MONDO:0010717, OMIM 312170.

Submission:

Unidad de Genómica Garrahan, Hospital de Pediatría Garrahan
Classification: Likely pathogenic for Pyruvate dehydrogenase E1-alpha deficiency. Last evaluated: 2024-03-15. Review status: criteria provided, single submitter. Criteria: ACMG Guidelines, 2015. Collection method: clinical testing. Allele origin: maternal. Affected: yes.
Comment: The NM_000284.4:c.T260C variant corresponds to a nucleotide change in exon 3 of the PDHA1 gene, which is located on chromosome X. This missense variant predicts a change at protein level from isoluecine to threonine at position 87 and is located in a gene with low rate of benign missense mutations and for which missense mutation is a common disease mechanism. This variant is not found in population databases (Genome Aggregation Database) and has not been previously reported associated with any clinical case. Bioinformatic algorithms predict it as deleterious (REVEL=0.98, AlphaMissense=0,993). For these reasons, we have classified this variant as Likely Pathogenic, according to the following ACMG criteria: PM2moderate, PP2supporting, PP3strong.